The following is an entry in ClinVar:

ClinVar aggregate classification (germline): Uncertain significance (1 of 4 stars; one submission).

Allele frequency attached by ClinVar (database versions not stated): TOPMed 0.00001.
gnomAD v4.1: 7 of 1,614,062 alleles (0.00043%); highest among the groups gnomAD compares: Non-Finnish European, 0.00059%; no homozygotes.

Submission:

Labcorp Genetics (formerly Invitae), Labcorp
Classification: Uncertain significance. Last evaluated: 2021-04-05. Review status: criteria provided, single submitter. Criteria: Invitae Variant Classification Sherloc (09022015). Collection method: clinical testing. Allele origin: germline.
Comment: This sequence change replaces glutamine with histidine at codon 576 of the MYO5B protein (p.Gln576His). The glutamine residue is highly conserved and there is a small physicochemical difference between glutamine and histidine. This variant is not present in population databases (ExAC no frequency). This variant has not been reported in the literature in individuals with MYO5B-related conditions. Algorithms developed to predict the effect of missense changes on protein structure and function are either unavailable or do not agree on the potential impact of this missense change (SIFT: "Deleterious"; PolyPhen-2: "Benign"; Align-GVGD: "Class C0"). In summary, the available evidence is currently insufficient to determine the role of this variant in disease. Therefore, it has been classified as a Variant of Uncertain Significance.

NM_001080467.3(MYO5B):c.1728G>C (p.Gln576His)

Gene: MYO5B (myosin VB; minus strand). Cytogenetic location: 18q21.1.
Variant type: single nucleotide variant.
Coding change: c.1728G>C on transcript NM_001080467.3 (MANE Select); coding-DNA position 1728, G replaced by C.
Protein change: p.Gln576His; replaces glutamine 576 with histidine.
Molecular consequence: missense variant.
Genome position (GRCh38, 1-based): chr18:49,953,284, C>G on the plus strand (G>C on the coding strand, the complement: MYO5B is on the minus strand). VCF-style: chr18-49953284-C-G. GRCh37 (hg19) VCF-style: chr18-47479654-C-G.
Other names: short protein forms Q576H.
Identifiers: ClinVar variation 1494076 (VCV001494076.7), dbSNP rs371586732, ClinGen allele CA402449160.